The following is an entry in ClinVar:

ClinVar aggregate classification (germline): Pathogenic (1 of 4 stars; one submission).

Conditions:
Hypertrophic cardiomyopathy. Also called: HYPERTROPHIC MYOCARDIOPATHY. Identifiers: Orphanet 217569, MedGen C0007194, MeSH D002312, MONDO:0005045, HP:0001639.

Submission:

Labcorp Genetics (formerly Invitae), Labcorp
Classification: Pathogenic for Hypertrophic cardiomyopathy. Last evaluated: 2021-08-28. Review status: criteria provided, single submitter. Criteria: Invitae Variant Classification Sherloc (09022015). Collection method: clinical testing. Allele origin: germline.
Comment: For these reasons, this variant has been classified as Pathogenic. A different variant (c.3408C>A) giving rise to the same protein effect has been determined to be pathogenic (PMID: 25262865, 27532257). This suggests that this variant is also likely to be causative of disease. This variant is not present in population databases (ExAC no frequency). This sequence change creates a premature translational stop signal (p.Tyr1136*) in the MYBPC3 gene. It is expected to result in an absent or disrupted protein product. Loss-of-function variants in MYBPC3 are known to be pathogenic (PMID: 19574547).

Literature cited by the submitters: PubMed 25262865; PubMed 27532257; PubMed 19574547.

NM_000256.3(MYBPC3):c.3408C>G (p.Tyr1136Ter)

Gene: MYBPC3 (myosin binding protein C3; minus strand). Cytogenetic location: 11p11.2.
Variant type: single nucleotide variant.
Coding change: c.3408C>G on transcript NM_000256.3 (MANE Select); coding-DNA position 3408, C replaced by G.
Protein change: p.Tyr1136Ter; replaces tyrosine 1136 with a stop codon.
Molecular consequence: nonsense.
Genome position (GRCh38, 1-based): chr11:47,332,896, G>C on the plus strand (C>G on the coding strand, the complement: MYBPC3 is on the minus strand). VCF-style: chr11-47332896-G-C. GRCh37 (hg19) VCF-style: chr11-47354447-G-C.
Other names: short protein forms Y1136*.
Identifiers: ClinVar variation 851340 (VCV000851340.7), dbSNP rs193922383, ClinGen allele CA380313523.